The following is an entry in ClinVar:

NM_000257.4(MYH7):c.5793C>T (p.Gly1931=)

Gene: MYH7 (myosin heavy chain 7; minus strand). Cytogenetic location: 14q11.2.
Variant type: single nucleotide variant.
Coding change: c.5793C>T on transcript NM_000257.4 (MANE Select); coding-DNA position 5793, C replaced by T.
Protein change: p.Gly1931=; no amino-acid change (glycine 1931 retained).
Molecular consequence: synonymous variant.
Genome position (GRCh38, 1-based): chr14:23,412,869, G>A on the plus strand (C>T on the coding strand, the complement: MYH7 is on the minus strand). VCF-style: chr14-23412869-G-A. GRCh37 (hg19) VCF-style: chr14-23882078-G-A.
Identifiers: ClinVar variation 884147 (VCV000884147.8), dbSNP rs148420672, ClinGen allele CA048440.

ClinVar aggregate classification (germline): Conflicting classifications of pathogenicity. Review status: criteria provided, conflicting classifications (1 of 4 stars). 5 submissions from 2 submitters: Uncertain significance (4); Likely benign (1). Last evaluated 2023-08-24.

Conditions:
Myosin storage myopathy (CMYO7A). Also called: Scapuloperoneal myopathy, MYH7-related; MYOPATHY WITH LYSIS OF TYPE I MYOFIBRILS; SCAPULOPERONEAL MUSCULAR DYSTROPHY; SCAPULOPERONEAL SYNDROME, MYOPATHIC TYPE; MYH7-related late-onset scapuloperoneal muscular dystrophy; Congenital myopathy 7A, myosin storage, autosomal dominant. Identifiers: Orphanet 437572, Orphanet 636965, MedGen C1842160, MONDO:0008409, OMIM 608358.
Dilated cardiomyopathy 1S (CMD1S). Identifiers: Orphanet 154, Orphanet 54260, MedGen C1834481, MONDO:0013262, OMIM 613426.
Hypertrophic cardiomyopathy. Also called: HYPERTROPHIC MYOCARDIOPATHY. Identifiers: Orphanet 217569, MedGen C0007194, MeSH D002312, MONDO:0005045, HP:0001639.
MYH7-related skeletal myopathy. Also called: Myopathy, distal, 1; MYOPATHY, DISTAL, EARLY-ONSET, AUTOSOMAL DOMINANT; MYOPATHY, LATE DISTAL HEREDITARY; Laing early-onset distal myopathy; Laing distal myopathy. Identifiers: Orphanet 59135, MedGen C4552004, MONDO:0008050, OMIM 160500.
Hypertrophic cardiomyopathy 1 (CMH1). Also called: Familial hypertrophic cardiomyopathy 1; MYH7-Related Familial Hypertrophic Cardiomyopathy. Identifiers: MedGen C3495498, MONDO:0008647, OMIM 192600.

Allele frequency attached by ClinVar (database versions not stated): gnomAD exomes below 0.00001; ExAC 0.00001; gnomAD 0.00001; 1000 Genomes Project 30x 0.00016; 1000 Genomes Project 0.00020.
gnomAD v4.1: 7 of 1,614,072 alleles (0.00043%); highest among the groups gnomAD compares: East Asian, 0.016%; no homozygotes.

Submissions (5):

Labcorp Genetics (formerly Invitae), Labcorp
Classification: Likely benign for Hypertrophic cardiomyopathy. Last evaluated: 2023-08-24. Review status: criteria provided, single submitter. Criteria: Invitae Variant Classification Sherloc (09022015). Collection method: clinical testing. Allele origin: germline.

Illumina Laboratory Services, Illumina
Classification: Uncertain significance for Hypertrophic cardiomyopathy 1. Last evaluated: 2017-06-13. Review status: criteria provided, single submitter. Criteria: ICSL Variant Classification Criteria 13 December 2019. Collection method: clinical testing. Allele origin: germline.

Illumina Laboratory Services, Illumina
Classification: Uncertain significance for MYH7-related skeletal myopathy. Last evaluated: 2017-06-13. Review status: criteria provided, single submitter. Criteria: ICSL Variant Classification Criteria 13 December 2019. Collection method: clinical testing. Allele origin: germline.

Illumina Laboratory Services, Illumina
Classification: Uncertain significance for Dilated cardiomyopathy 1S. Last evaluated: 2017-06-13. Review status: criteria provided, single submitter. Criteria: ICSL Variant Classification Criteria 13 December 2019. Collection method: clinical testing. Allele origin: germline.
Comment: This variant was observed as part of a predisposition screen in an ostensibly healthy population. A literature search was performed for the gene, cDNA change, and amino acid change (where applicable). Publications were found based on this search. However, the evidence from the literature, in combination with allele frequency data from public databases where available, was not sufficient to rule this variant in or out of causing disease. Therefore, this variant is classified as a variant of unknown significance.

Illumina Laboratory Services, Illumina
Classification: Uncertain significance for Myosin storage myopathy. Last evaluated: 2017-06-13. Review status: criteria provided, single submitter. Criteria: ICSL Variant Classification Criteria 13 December 2019. Collection method: clinical testing. Allele origin: germline.

Literature cited by the submitters: PubMed 20817590 (cited by Illumina Laboratory Services, Illumina).